The following is an entry in ClinVar:

NM_033026.6(PCLO):c.8752A>G (p.Ser2918Gly)

Gene: PCLO (piccolo presynaptic cytomatrix protein; minus strand). Cytogenetic location: 7q21.11.
Variant type: single nucleotide variant.
Coding change: c.8752A>G on transcript NM_033026.6 (MANE Select); coding-DNA position 8752, A replaced by G.
Protein change: p.Ser2918Gly; replaces serine 2918 with glycine.
Molecular consequence: missense variant.
Genome position (GRCh38, 1-based): chr7:82,952,201, T>C on the plus strand (A>G on the coding strand, the complement: PCLO is on the minus strand). VCF-style: chr7-82952201-T-C. GRCh37 (hg19) VCF-style: chr7-82581517-T-C.
Other names: c.8752A>G, p.Ser2918Gly (NM_014510.3); short protein forms S2918G.
Identifiers: ClinVar variation 1382977 (VCV001382977.3), dbSNP rs764775939, ClinGen allele CA367910159.

ClinVar aggregate classification (germline): Uncertain significance (1 of 4 stars; one submission).

gnomAD v4.1: 3 of 1,613,578 alleles (0.00019%); highest among the groups gnomAD compares: Admixed American, 0.0017%; no homozygotes.

Submission:

Labcorp Genetics (formerly Invitae), Labcorp
Classification: Uncertain significance. Last evaluated: 2022-03-13. Review status: criteria provided, single submitter. Criteria: Invitae Variant Classification Sherloc (09022015). Collection method: clinical testing. Allele origin: germline.
Comment: This sequence change replaces serine, which is neutral and polar, with glycine, which is neutral and non-polar, at codon 2918 of the PCLO protein (p.Ser2918Gly). This variant is present in population databases (no rsID available, gnomAD 0.01%). This variant has not been reported in the literature in individuals affected with PCLO-related conditions. Algorithms developed to predict the effect of missense changes on protein structure and function output the following: SIFT: "Tolerated"; PolyPhen-2: "Not Available"; Align-GVGD: "Class C0". The glycine amino acid residue is found in multiple mammalian species, which suggests that this missense change does not adversely affect protein function. Algorithms developed to predict the effect of sequence changes on RNA splicing suggest that this variant may create or strengthen a splice site. In summary, the available evidence is currently insufficient to determine the role of this variant in disease. Therefore, it has been classified as a Variant of Uncertain Significance.